The following is an entry in ClinVar:

NM_018896.5(CACNA1G):c.1888A>T (p.Ser630Cys)

Gene: CACNA1G (calcium voltage-gated channel subunit alpha1 G; plus strand). Cytogenetic location: 17q21.33.
Variant type: single nucleotide variant.
Coding change: c.1888A>T on transcript NM_018896.5 (MANE Select); coding-DNA position 1888, A replaced by T.
Protein change: p.Ser630Cys; replaces serine 630 with cysteine.
Molecular consequence: missense variant. On other transcripts: non-coding transcript variant (5).
Genome position (GRCh38, 1-based): chr17:50,576,290, A>T. VCF-style: chr17-50576290-A-T. GRCh37 (hg19) VCF-style: chr17-48653651-A-T.
Other names: c.1888A>T, p.Ser630Cys (NM_001256324.2, NM_001256325.2, NM_001256326.2 and 24 more transcripts); short protein forms S630C.
Identifiers: ClinVar variation 977088 (VCV000977088.12), dbSNP rs779077930, ClinGen allele CA8652261.

ClinVar aggregate classification (germline): Conflicting classifications of pathogenicity. Review status: criteria provided, conflicting classifications (1 of 4 stars). 4 submissions from 4 submitters: Uncertain significance (3); Likely benign (1). Last evaluated 2025-04-01.

Conditions:
Epilepsy. Also called: Seizure disorder. Identifiers: MedGen C0014544, MeSH D004827, MONDO:0005027.
Spinocerebellar ataxia type 42. Identifiers: Orphanet 458803, MedGen C4225205, MONDO:0014776, OMIM 616795.

Allele frequency attached by ClinVar (database versions not stated): gnomAD exomes 0.00004 and 0.00011; ExAC 0.00006; TOPMed 0.00006; gnomAD 0.00006.

Submissions (4):

CeGaT Center for Human Genetics Tuebingen
Classification: Likely benign. Last evaluated: 2025-04-01. Review status: criteria provided, single submitter. Criteria: CeGaT Center For Human Genetics Tuebingen Variant Classification Criteria Version 2. Collection method: clinical testing. Allele origin: germline. Affected: yes. Observed: 1 variant allele.
Comment: CACNA1G: BP5

Labcorp Genetics (formerly Invitae), Labcorp
Classification: Uncertain significance. Last evaluated: 2022-12-31. Review status: criteria provided, single submitter. Criteria: Invitae Variant Classification Sherloc (09022015). Collection method: clinical testing. Allele origin: germline.
Comment: In summary, the available evidence is currently insufficient to determine the role of this variant in disease. Therefore, it has been classified as a Variant of Uncertain Significance. Advanced modeling of protein sequence and biophysical properties (such as structural, functional, and spatial information, amino acid conservation, physicochemical variation, residue mobility, and thermodynamic stability) has been performed at Invitae for this missense variant, however the output from this modeling did not meet the statistical confidence thresholds required to predict the impact of this variant on CACNA1G protein function. ClinVar contains an entry for this variant (Variation ID: 977088). This variant has not been reported in the literature in individuals affected with CACNA1G-related conditions. This variant is present in population databases (rs779077930, gnomAD 0.009%). This sequence change replaces serine, which is neutral and polar, with cysteine, which is neutral and slightly polar, at codon 630 of the CACNA1G protein (p.Ser630Cys).

Johns Hopkins Genomics, Johns Hopkins University
Classification: Uncertain significance for Spinocerebellar ataxia type 42. Last evaluated: 2020-06-03. Review status: criteria provided, single submitter. Criteria: ACMG Guidelines, 2015. Collection method: clinical testing. Allele origin: germline.
Comment: This CACNA1G variant (rs779077930) is rare (<0.1%) in a large population dataset (gnomAD: 7/192408 total alleles; 0.004%; no homozygotes) and has not been reported previously in the literature to our knowledge. Two bioinformatic tools queried predict that p.Ser630Cys would be damaging, and the serine residue at this position is strongly conserved across the vertebrate species assessed. This variant is not predicted to affect normal exon 8 splicing, although this has not been confirmed experimentally to our knowledge. We consider the clinical significance of c.1888A>T to be uncertain at this time.

Cambridge Genomics Laboratory, East Genomic Laboratory Hub, NHS Genomic Medicine Service
Classification: Uncertain significance for Epilepsy. Last evaluated: 2020-03-30. Review status: criteria provided, single submitter. Criteria: ACGS Best Practice Guidelines for Variant Classification in Rare Disease 2020. Collection method: clinical testing. Allele origin: germline. Affected: yes. Observed: 1 variant allele.

Literature cited by the submitters: PubMed 26456284 (cited by Johns Hopkins Genomics, Johns Hopkins University); PubMed 26715324 (cited by Johns Hopkins Genomics, Johns Hopkins University).